The following is an entry in ClinVar:

ClinVar aggregate classification (germline): Likely benign. Review status: criteria provided, single submitter (1 of 4 stars). 2 submissions from 2 submitters: Likely benign (1). 1 of the submissions does not count toward it. Last evaluated 2022-06-01.

Conditions:
CPB1-related disorder. Also called: CPB1-related condition.

gnomAD v4.1: 6 of 1,612,388 alleles (0.00037%); highest among the groups gnomAD compares: African/African-American, 0.008%; no homozygotes.

Submissions (2):

CeGaT Center for Human Genetics Tuebingen
Classification: Likely benign. Last evaluated: 2022-06-01. Review status: criteria provided, single submitter. Criteria: CeGaT Center For Human Genetics Tuebingen Variant Classification Criteria Version 2. Collection method: clinical testing. Allele origin: germline. Affected: yes. Observed: 1 variant allele.
Comment: CPB1: BP4

PreventionGenetics, part of Exact Sciences
Classification: Likely benign for CPB1-related condition. Last evaluated: 2019-09-17. Review status: no assertion criteria provided. Collection method: clinical testing. Allele origin: germline. Not counted in ClinVar's aggregate classification.
Comment: This variant is classified as likely benign based on ACMG/AMP sequence variant interpretation guidelines (Richards et al. 2015 PMID: 25741868, with internal and published modifications).

NM_001871.3(CPB1):c.687+6T>C

Gene: CPB1 (carboxypeptidase B1; plus strand). Cytogenetic location: 3q24.
Variant type: single nucleotide variant.
Coding change: c.687+6T>C on transcript NM_001871.3 (MANE Select); 6 bases into the intron after coding-DNA position 687, T replaced by C.
Molecular consequence: intron variant.
Genome position (GRCh38, 1-based): chr3:148,844,594, T>C. VCF-style: chr3-148844594-T-C. GRCh37 (hg19) VCF-style: chr3-148562381-T-C.
Other names: c.687+6T>C (NM_001871.2).
Identifiers: ClinVar variation 2654211 (VCV002654211.25), dbSNP rs770424800, ClinGen allele CA2657710.